The following is an entry in ClinVar:

ClinVar aggregate classification (germline): Pathogenic. Review status: criteria provided, multiple submitters, no conflicts (2 of 4 stars). 4 submissions from 4 submitters: Pathogenic (4). Last evaluated 2021-08-02.

Conditions:
Congenital afibrinogenemia. Identifiers: Orphanet 335, Orphanet 98880, MedGen C2584774, MONDO:0008737, OMIM 202400.
Familial visceral amyloidosis, Ostertag type (AMYLD2). Also called: AMYLOIDOSIS VIII; Ostertag type amyloidosis; Amyloidosis, hepatic and systemic; AMYLOIDOSIS, HEREDITARY SYSTEMIC 2; Familial visceral amyloidosis; Hereditary Renal Amyloidosis. Identifiers: Orphanet 85450, MedGen C0268389, MONDO:0007099, OMIM 105200.
Familial dysfibrinogenemia. Also called: Dysfibrinogenemia, congenital. Identifiers: Orphanet 335, Orphanet 98881, MedGen C0272350, MONDO:0014452, OMIM 616004.

Allele frequency attached by ClinVar (database versions not stated): ExAC 0.00001; gnomAD exomes 0.00001; gnomAD 0.00002; TOPMed 0.00002.
gnomAD v4.1: 24 of 1,613,652 alleles (0.0015%); highest among the groups gnomAD compares: African/African-American, 0.0027%; no homozygotes.

Submissions (4):

Fulgent Genetics
Classification: Pathogenic for Familial visceral amyloidosis, Ostertag type; Congenital afibrinogenemia; Familial dysfibrinogenemia. Last evaluated: 2021-08-02. Review status: criteria provided, single submitter. Criteria: ACMG Guidelines, 2015. Collection method: clinical testing. Allele origin: unknown.

Labcorp Genetics (formerly Invitae), Labcorp
Classification: Pathogenic. Last evaluated: 2017-07-06. Review status: criteria provided, single submitter. Criteria: Invitae Variant Classification Sherloc (09022015). Collection method: clinical testing. Allele origin: germline.
Comment: This sequence change results in a premature translational stop signal in the FGA gene (p.Arg168*). This is expected to delete the last 477 amino acids (~74%) of the FGA protein. This variant is present in population databases (rs755117226, ExAC 0.001%). This variant has been reported in the homozygous or compound heterozygous state in individuals affected with afibrinogenaemia (PMID: 10887149, 26763372). ClinVar contains an entry for this variant (Variation ID: 402230). Analysis of patient-derived plasma was unable to detect fibrinogen via clotting and immunological methods in an individual carrying this variant along with another rare FGA variant (PMID: 26763372). For these reasons, this variant has been classified as Pathogenic.

Knight Diagnostic Laboratories, Oregon Health and Sciences University
Classification: Pathogenic for Congenital afibrinogenemia. Last evaluated: 2015-09-26. Review status: criteria provided, single submitter. Criteria: ACMG Guidelines, 2015. Collection method: clinical testing. Allele origin: germline. Affected: no. Study: CSER-NextGen.
Comment: All these individuals had immunologically very low; to undetectable fibrinogen levels suggesting that loss-of-function is a mechanism of disease. Furthermore, this variant was shown to co-segregate with disease and family members who were heterozygous for this variant were unaffected (Fellowes et al., 2000). Arginine at position 168 is evolutionarily conserved and it is present within the coil-coil domain of the protein. This domain is critical for protein assembly. Indeed, an in vitro study using the p.Arg168ter variant showed an absence of secreted fibrinogen because of its inability to assemble with the other fibrinogen subunits (Î² and Î³) (Asselta et al., 2001). This variant is either absent or present at a very low frequency, with no homozygotes, in the population databases (1000 Genome, Exome Sequencing Project and ExAC). In summary, this variant meets our criteria for a Pathogenic classification. We have confirmed this finding in our laboratory using Sanger sequencing.

Juno Genomics, Hangzhou Juno Genomics, Inc
Classification: Pathogenic for Congenital afibrinogenemia. Review status: criteria provided, single submitter. Criteria: ACMG Guidelines, 2015. Collection method: clinical testing. Allele origin: germline. Affected: yes.
Comment: Absent from controls (or at extremely low frequency if recessive) in Genome Aggregation Database, Exome Sequencing Project, 1000 Genomes Project, or Exome Aggregation Consortium.;Null variant in a gene where loss of function (LOF) is a known mechanism of disease.;For recessive disorders, detected in trans with a pathogenic variant.;Co-segregation with disease in multiple affected family members in a gene definitively known to cause the disease.

Literature cited by the submitters: PubMed 10887149 (cited by Labcorp Genetics (formerly Invitae), Labcorp); PubMed 26763372 (cited by Labcorp Genetics (formerly Invitae), Labcorp).

NM_021871.4(FGA):c.502C>T (p.Arg168Ter)

Gene: FGA (fibrinogen alpha chain; minus strand). Cytogenetic location: 4q31.3.
Variant type: single nucleotide variant.
Coding change: c.502C>T on transcript NM_021871.4 (MANE Select); coding-DNA position 502, C replaced by T.
Protein change: p.Arg168Ter; replaces arginine 168 with a stop codon.
Molecular consequence: nonsense.
Genome position (GRCh38, 1-based): chr4:154,587,520, G>A on the plus strand (C>T on the coding strand, the complement: FGA is on the minus strand). VCF-style: chr4-154587520-G-A. GRCh37 (hg19) VCF-style: chr4-155508672-G-A.
Other names: c.502C>T (LRG_557t1); c.502C>T, p.Arg168Ter (NM_000508.5); short protein forms R168*.
Identifiers: ClinVar variation 402230 (VCV000402230.12), dbSNP rs755117226, ClinGen allele CA3115289.
Genomic context (GRCh38, chr4:154,587,520, plus strand): 5'-TTTTCCCTCTACTCAGAAACAAGGACATCTGGGACCACAGCCACATACTTACCTCCAGTC[G>A]TTTCATATCAACCAACTGAGCTCTAACATTTTTCTGCAGAAGCTGGATATGCTGTACTTT-3'